The following is an entry in ClinVar:

NM_001112741.2(KCNC1):c.1621G>C (p.Glu541Gln)

Gene: KCNC1 (potassium voltage-gated channel subfamily C member 1; plus strand). Cytogenetic location: 11p15.1.
Variant type: single nucleotide variant.
Coding change: c.1621G>C on transcript NM_001112741.2 (MANE Select); coding-DNA position 1621, G replaced by C.
Protein change: p.Glu541Gln; replaces glutamic acid 541 with glutamine.
Molecular consequence: missense variant.
Genome position (GRCh38, 1-based): chr11:17,779,572, G>C. VCF-style: chr11-17779572-G-C. GRCh37 (hg19) VCF-style: chr11-17801119-G-C.
Other names: short protein forms E541Q.
Identifiers: ClinVar variation 940539 (VCV000940539.10), dbSNP rs896883949, ClinGen allele CA379814415.

ClinVar aggregate classification (germline): Uncertain significance (1 of 4 stars; one submission).

Conditions:
Progressive myoclonic epilepsy type 7. Identifiers: Orphanet 435438, MedGen C4015420, MONDO:0014521, OMIM 616187.

gnomAD v4.1: 2 of 1,551,444 alleles (0.00013%); highest among the groups gnomAD compares: African/African-American, 0.0014%; no homozygotes.

Submission:

Labcorp Genetics (formerly Invitae), Labcorp
Classification: Uncertain significance for Progressive myoclonic epilepsy type 7. Last evaluated: 2023-12-29. Review status: criteria provided, single submitter. Criteria: Invitae Variant Classification Sherloc (09022015). Collection method: clinical testing. Allele origin: germline.
Comment: This sequence change replaces glutamic acid, which is acidic and polar, with glutamine, which is neutral and polar, at codon 541 of the KCNC1 protein (p.Glu541Gln). This variant is not present in population databases (gnomAD no frequency). This variant has not been reported in the literature in individuals affected with KCNC1-related conditions. ClinVar contains an entry for this variant (Variation ID: 940539). Advanced modeling of protein sequence and biophysical properties (such as structural, functional, and spatial information, amino acid conservation, physicochemical variation, residue mobility, and thermodynamic stability) performed at Invitae indicates that this missense variant is expected to disrupt KCNC1 protein function with a positive predictive value of 95%. In summary, the available evidence is currently insufficient to determine the role of this variant in disease. Therefore, it has been classified as a Variant of Uncertain Significance.